The following is an entry in ClinVar:

NM_025114.4(CEP290):c.2365C>T (p.Gln789Ter)

Gene: CEP290 (centrosomal protein 290; minus strand). Cytogenetic location: 12q21.32.
Variant type: single nucleotide variant.
Coding change: c.2365C>T on transcript NM_025114.4 (MANE Select); coding-DNA position 2365, C replaced by T.
Protein change: p.Gln789Ter; replaces glutamine 789 with a stop codon.
Molecular consequence: nonsense.
Genome position (GRCh38, 1-based): chr12:88,111,204, G>A on the plus strand (C>T on the coding strand, the complement: CEP290 is on the minus strand). VCF-style: chr12-88111204-G-A. GRCh37 (hg19) VCF-style: chr12-88504981-G-A.
Other names: short protein forms Q789*.
Identifiers: ClinVar variation 5016080 (VCV005016080.1).

ClinVar aggregate classification (germline): Pathogenic (1 of 4 stars; one submission).

Conditions:
CEP290-related ciliopathy. Also called: CEP290 ciliopathy. Identifiers: MedGen CN305601, MONDO:0100451.

Submission:

Myriad Genetics, Inc.
Classification: Pathogenic for CEP290-related ciliopathy. Last evaluated: 2026-06-27. Review status: criteria provided, single submitter. Criteria: Myriad Autosomal Dominant, Autosomal Recessive and X-Linked Classification Criteria (2023). Collection method: clinical testing. Allele origin: unknown.
Comment: NM_025114.3(CEP290):c.2365C>T(Q789*) is expected to be pathogenic in the context of CEP290-related disorders. This variant is predicted to lead to an abnormal or absent protein product due to the creation of a premature termination codon in CEP290, a gene where loss-of-function variants are known to be pathogenic. Please note: this variant was assessed in the context of healthy population screening.